The following is an entry in ClinVar:

NM_015915.5(ATL1):c.584A>C (p.Glu195Ala)

Gene: ATL1 (atlastin GTPase 1; plus strand). Cytogenetic location: 14q22.1.
Variant type: single nucleotide variant.
Coding change: c.584A>C on transcript NM_015915.5 (MANE Select); coding-DNA position 584, A replaced by C.
Protein change: p.Glu195Ala; replaces glutamic acid 195 with alanine.
Molecular consequence: missense variant.
Genome position (GRCh38, 1-based): chr14:50,595,586, A>C. VCF-style: chr14-50595586-A-C. GRCh37 (hg19) VCF-style: chr14-51062304-A-C.
Other names: c.584A>C, p.Glu195Ala (NM_001127713.1, NM_181598.4); short protein forms E195A.
Identifiers: ClinVar variation 1996944 (VCV001996944.4), dbSNP rs2504503924, ClinGen allele CA389668842.
Genomic context (GRCh38, chr14:50,595,586, plus strand): 5'-CTCTCTCTCTCTCTCTCTGTGTATGTGTGTGTGTGTAATTTTTTTTCTAGCTTTTCACTG[A>C]GTATGGCAGACTGGCAATGGAGGAAACATTCCTGAAGCCATTTCAGGTGAGCGAGTGTTA-3'
Protein context (NP_056999.2, residues 185-205): DDLQHLQLFT[Glu195Ala]YGRLAMEETF

ClinVar aggregate classification (germline): Pathogenic (1 of 4 stars; one submission).

Conditions:
Hereditary spastic paraplegia 3A (SPG3A). Also called: SPASTIC PARAPLEGIA 3, AUTOSOMAL DOMINANT; FAMILIAL SPASTIC PARAPLEGIA, AUTOSOMAL DOMINANT, 1; SPG3; STRUMPELL DISEASE; Spastic Paraplegia 3A; Spastic paraplegia 3A, autosomal dominant. Identifiers: Orphanet 100984, MedGen C2931355, MONDO:0008437, OMIM 182600.

Submission:

Labcorp Genetics (formerly Invitae), Labcorp
Classification: Pathogenic for Hereditary spastic paraplegia 3A. Last evaluated: 2022-08-22. Review status: criteria provided, single submitter. Criteria: Invitae Variant Classification Sherloc (09022015). Collection method: clinical testing. Allele origin: germline.
Comment: For these reasons, this variant has been classified as Pathogenic. Advanced modeling of protein sequence and biophysical properties (such as structural, functional, and spatial information, amino acid conservation, physicochemical variation, residue mobility, and thermodynamic stability) performed at Invitae indicates that this missense variant is expected to disrupt ATL1 protein function. This missense change has been observed in individual(s) with clinical features of autosomal dominant hereditary spastic paraplegia (Invitae). In at least one individual the variant was observed to be de novo. This variant is not present in population databases (gnomAD no frequency). This sequence change replaces glutamic acid, which is acidic and polar, with alanine, which is neutral and non-polar, at codon 195 of the ATL1 protein (p.Glu195Ala).